The following is an entry in ClinVar:

ClinVar aggregate classification (germline): Uncertain significance (1 of 4 stars; one submission).

Conditions:
Nemaline myopathy 2 (NEM2). Also called: Nemaline myopathy 2, autosomal recessive. Identifiers: MedGen C1850569, MONDO:0009725, OMIM 256030.

gnomAD v4.1: 1 of 1,613,058 alleles (0.000062%); highest among the groups gnomAD compares: Admixed American, 0.0017%; no homozygotes.

Submission:

Labcorp Genetics (formerly Invitae), Labcorp
Classification: Uncertain significance for Nemaline myopathy 2. Last evaluated: 2022-03-02. Review status: criteria provided, single submitter. Criteria: Invitae Variant Classification Sherloc (09022015). Collection method: clinical testing. Allele origin: germline.
Comment: This sequence change replaces glutamic acid, which is acidic and polar, with aspartic acid, which is acidic and polar, at codon 43 of the NEB protein (p.Glu43Asp). This variant is not present in population databases (gnomAD no frequency). This variant has not been reported in the literature in individuals affected with NEB-related conditions. Algorithms developed to predict the effect of missense changes on protein structure and function output the following: SIFT: "Tolerated"; PolyPhen-2: "Not Available"; Align-GVGD: "Class C0". The aspartic acid amino acid residue is found in multiple mammalian species, which suggests that this missense change does not adversely affect protein function. In summary, the available evidence is currently insufficient to determine the role of this variant in disease. Therefore, it has been classified as a Variant of Uncertain Significance.

NM_001164508.2(NEB):c.129G>T (p.Glu43Asp)

Gene: NEB (nebulin; minus strand). Cytogenetic location: 2q23.3.
Variant type: single nucleotide variant.
Coding change: c.129G>T on transcript NM_001164508.2 (MANE Select); coding-DNA position 129, G replaced by T.
Protein change: p.Glu43Asp; replaces glutamic acid 43 with aspartic acid.
Molecular consequence: missense variant.
Genome position (GRCh38, 1-based): chr2:151,727,856, C>A on the plus strand (G>T on the coding strand, the complement: NEB is on the minus strand). VCF-style: chr2-151727856-C-A. GRCh37 (hg19) VCF-style: chr2-152584370-C-A.
Other names: c.129G>T, p.Glu43Asp (NM_001164507.2, NM_001271208.2, NM_004543.5); short protein forms E43D.
Identifiers: ClinVar variation 1407152 (VCV001407152.3), dbSNP rs1290183134, ClinGen allele CA348795690.
Genomic context (GRCh38, chr2:151,727,856, plus strand): 5'-TGCTGATGCTGGCTGTGCCAGTGCTGGCTGTGCCAGAGCTGGTTTGGAAGTTTCTGATTG[C>A]TCATAGTCAGATGTCCTTGTTGTCGTAGTCTCATAAATTTTTGTTATTGTCTGAAAATTT-3'
Protein context (NP_001157980.2, residues 33-53): ETTTTRTSDY[Glu43Asp]QSETSKPALA